The following is an entry in ClinVar:

ClinVar aggregate classification (germline): Uncertain significance (1 of 4 stars; one submission).

Submission:

Labcorp Genetics (formerly Invitae), Labcorp
Classification: Uncertain significance. Last evaluated: 2022-11-01. Review status: criteria provided, single submitter. Criteria: Invitae Variant Classification Sherloc (09022015). Collection method: clinical testing. Allele origin: germline.
Comment: This sequence change replaces aspartic acid, which is acidic and polar, with glutamic acid, which is acidic and polar, at codon 46 of the SNRPB protein (p.Asp46Glu). In summary, the available evidence is currently insufficient to determine the role of this variant in disease. Therefore, it has been classified as a Variant of Uncertain Significance. Algorithms developed to predict the effect of missense changes on protein structure and function (SIFT, PolyPhen-2, Align-GVGD) all suggest that this variant is likely to be tolerated. This variant has not been reported in the literature in individuals affected with SNRPB-related conditions. This variant is not present in population databases (gnomAD no frequency).

NM_003091.4(SNRPB):c.138T>G (p.Asp46Glu)

Gene: SNRPB (small nuclear ribonucleoprotein polypeptides B and B1; minus strand). Cytogenetic location: 20p13.
Variant type: single nucleotide variant.
Coding change: c.138T>G on transcript NM_003091.4 (MANE Select); coding-DNA position 138, T replaced by G.
Protein change: p.Asp46Glu; replaces aspartic acid 46 with glutamic acid.
Molecular consequence: missense variant.
Genome position (GRCh38, 1-based): chr20:2,467,624, A>C on the plus strand (T>G on the coding strand, the complement: SNRPB is on the minus strand). VCF-style: chr20-2467624-A-C. GRCh37 (hg19) VCF-style: chr20-2448270-A-C.
Other names: c.138T>G, p.Asp46Glu (NM_198216.2); short protein forms D46E.
Identifiers: ClinVar variation 2110205 (VCV002110205.4), dbSNP rs2514425200, ClinGen allele CA408015641.